The following is an entry in ClinVar:

NM_000051.4(ATM):c.1020C>T (p.Ala340=)

Gene: ATM (ATM serine/threonine kinase; plus strand). Cytogenetic location: 11q22.3.
Variant type: single nucleotide variant.
Coding change: c.1020C>T on transcript NM_000051.4 (MANE Select); coding-DNA position 1020, C replaced by T.
Protein change: p.Ala340=; no amino-acid change (alanine 340 retained).
Molecular consequence: synonymous variant.
Genome position (GRCh38, 1-based): chr11:108,247,082, C>T. VCF-style: chr11-108247082-C-T. GRCh37 (hg19) VCF-style: chr11-108117809-C-T.
Other names: c.1020C>T, p.Ala340= (NM_001351834.2).
Identifiers: ClinVar variation 236664 (VCV000236664.20), dbSNP rs546927781, ClinGen allele CA6264720.

ClinVar aggregate classification (germline): Benign/Likely benign. Review status: criteria provided, multiple submitters, no conflicts (2 of 4 stars). 6 submissions from 6 submitters: Benign (1); Likely benign (5). Last evaluated 2025-11-03.

Conditions:
Hereditary cancer-predisposing syndrome. Also called: Tumor predisposition; Hereditary Cancer Syndrome; Hereditary neoplastic syndrome; Neoplastic Syndromes, Hereditary. Identifiers: Orphanet 140162, MedGen C0027672, MeSH D009386, MONDO:0015356.
Familial cancer of breast. Also called: hereditary breast carcinoma; BREAST CANCER, FAMILIAL; Hereditary breast cancer. Identifiers: Orphanet 227535, MedGen C0346153, MONDO:0016419, OMIM 114480. Disease mechanism: loss of function.
Ataxia-telangiectasia syndrome (AT). Also called: Ataxia telangiectasia (A-T); LOUIS-BAR SYNDROME; Cerebello-oculocutaneous telangiectasia; Immunodeficiency with ataxia telangiectasia; ATAXIA-TELANGIECTASIA, COMPLEMENTATION GROUP A; ATAXIA-TELANGIECTASIA, FRESNO VARIANT. Identifiers: Orphanet 100, MedGen C0004135, MONDO:0008840, OMIM 208900.

Allele frequency attached by ClinVar (database versions not stated): TOPMed 0.00001.

Submissions (6):

Labcorp Genetics (formerly Invitae), Labcorp
Classification: Likely benign for Ataxia-telangiectasia syndrome. Last evaluated: 2025-11-03. Review status: criteria provided, single submitter. Criteria: Invitae Variant Classification Sherloc (09022015). Collection method: clinical testing. Allele origin: germline.

Myriad Genetics, Inc.
Classification: Benign for Familial cancer of breast. Last evaluated: 2024-04-24. Review status: criteria provided, single submitter. Criteria: Myriad Autosomal Dominant, Autosomal Recessive and X-Linked Classification Criteria (2023). Collection method: clinical testing. Allele origin: unknown.
Comment: This variant is considered benign. This variant is a silent/synonymous amino acid change and it is not expected to impact splicing.

Women's Health and Genetics/Laboratory Corporation of America, LabCorp
Classification: Likely benign. Last evaluated: 2020-05-14. Review status: criteria provided, single submitter. Criteria: LabCorp Variant Classification Summary - May 2015. Collection method: clinical testing. Allele origin: germline.

GeneDx
Classification: Likely benign. Last evaluated: 2018-05-03. Review status: criteria provided, single submitter. Criteria: GeneDx Variant Classification (06012015). Collection method: clinical testing. Allele origin: germline. Affected: yes.
Comment: This variant is considered likely benign or benign based on one or more of the following criteria: it is a conservative change, it occurs at a poorly conserved position in the protein, it is predicted to be benign by multiple in silico algorithms, and/or has population frequency not consistent with disease.

Color Diagnostics, LLC DBA Color Health
Classification: Likely benign for Hereditary cancer-predisposing syndrome. Last evaluated: 2016-10-17. Review status: criteria provided, single submitter. Criteria: ACMG Guidelines, 2015. Collection method: clinical testing. Allele origin: germline.

Ambry Genetics
Classification: Likely benign for Hereditary cancer-predisposing syndrome. Last evaluated: 2016-01-25. Review status: criteria provided, single submitter. Criteria: Ambry Variant Classification Scheme 2023. Collection method: clinical testing. Allele origin: germline.